The following is an entry in ClinVar:

NM_000321.3(RB1):c.2002C>T (p.Arg668Cys)

Gene: RB1 (RB transcriptional corepressor 1; plus strand). Cytogenetic location: 13q14.2.
Variant type: single nucleotide variant.
Coding change: c.2002C>T on transcript NM_000321.3 (MANE Select); coding-DNA position 2002, C replaced by T.
Protein change: p.Arg668Cys; replaces arginine 668 with cysteine.
Molecular consequence: missense variant.
Genome position (GRCh38, 1-based): chr13:48,459,729, C>T. VCF-style: chr13-48459729-C-T. GRCh37 (hg19) VCF-style: chr13-49033865-C-T.
Other names: short protein forms R668C.
Identifiers: ClinVar variation 640870 (VCV000640870.15), dbSNP rs369755801, ClinGen allele CA033725.
Genomic context (GRCh38, chr13:48,459,729, plus strand): 5'-ATTTTTCTTATTCCCACAGTGTATCGGCTAGCCTATCTCCGGCTAAATACACTTTGTGAA[C>T]GCCTTCTGTCTGAGCACCCAGAATTAGAACATATCATCTGGACCCTTTTCCAGCACACCC-3'
Protein context (NP_000312.2, residues 658-678): AYLRLNTLCE[Arg668Cys]LLSEHPELEH

ClinVar aggregate classification (germline): Benign/Likely benign. Review status: criteria provided, multiple submitters, no conflicts (2 of 4 stars). 4 submissions from 4 submitters: Benign (1); Likely benign (3). Last evaluated 2026-06-22.

Conditions:
Retinoblastoma (RB1). Also called: RETINOBLASTOMA, SOMATIC. Identifiers: Orphanet 790, MedGen C0035335, MeSH D012175, MONDO:0008380, OMIM 180200, HP:0009919. Disease mechanism: loss of function. Inheritance: Both sporadic and heritable forms are tested..
Hereditary cancer-predisposing syndrome. Also called: Hereditary Cancer Syndrome; Hereditary neoplastic syndrome; Neoplastic Syndromes, Hereditary; Tumor predisposition. Identifiers: Orphanet 140162, MedGen C0027672, MeSH D009386, MONDO:0015356.

Allele frequency attached by ClinVar (database versions not stated): ESP Exome Variant Server 0.00008; gnomAD 0.00001; gnomAD exomes 0.00001 and 0.00003; ExAC 0.00003; TOPMed 0.00003.
gnomAD v4.1: 22 of 1,613,844 alleles (0.0014%); highest among the groups gnomAD compares: East Asian, 0.011%; no homozygotes.

Submissions (4):

Myriad Genetics, Inc.
Classification: Likely benign for Retinoblastoma. Last evaluated: 2026-06-22. Review status: criteria provided, single submitter. Criteria: Myriad Autosomal Dominant, Autosomal Recessive and X-Linked Classification Criteria (2023). Collection method: clinical testing. Allele origin: unknown.
Comment: This variant is considered likely benign. This variant has been observed at a population frequency that is significantly greater than expected given the associated disease prevalence and penetrance.

Labcorp Genetics (formerly Invitae), Labcorp
Classification: Likely benign for Retinoblastoma. Last evaluated: 2025-12-29. Review status: criteria provided, single submitter. Criteria: Invitae Variant Classification Sherloc (09022015). Collection method: clinical testing. Allele origin: germline.

Color Diagnostics, LLC DBA Color Health
Classification: Likely benign for Retinoblastoma. Last evaluated: 2025-07-03. Review status: criteria provided, single submitter. Criteria: ACMG Guidelines, 2015. Collection method: clinical testing. Allele origin: germline.

Ambry Genetics
Classification: Benign for Hereditary cancer-predisposing syndrome. Last evaluated: 2021-08-31. Review status: criteria provided, single submitter. Criteria: Ambry Variant Classification Scheme 2023. Collection method: clinical testing. Allele origin: germline.